The following is an entry in ClinVar:

ClinVar aggregate classification (germline): Likely benign (1 of 4 stars; one submission).

Allele frequency attached by ClinVar (database versions not stated): gnomAD 0.00001.
gnomAD v4.1: 1 of 1,614,136 alleles (0.000062%); highest among the groups gnomAD compares: Admixed American, 0.0017%; no homozygotes.

Submission:

CeGaT Center for Human Genetics Tuebingen
Classification: Likely benign. Last evaluated: 2022-05-01. Review status: criteria provided, single submitter. Criteria: CeGaT Center For Human Genetics Tuebingen Variant Classification Criteria Version 2. Collection method: clinical testing. Allele origin: germline. Affected: yes. Observed: 1 variant allele.
Comment: COL6A3: BP4, BP7

NM_004369.4(COL6A3):c.5430G>A (p.Glu1810=)

Gene: COL6A3 (collagen type VI alpha 3 chain; minus strand). Cytogenetic location: 2q37.3.
Variant type: single nucleotide variant.
Coding change: c.5430G>A on transcript NM_004369.4 (MANE Select); coding-DNA position 5430, G replaced by A.
Protein change: p.Glu1810=; no amino-acid change (glutamic acid 1810 retained).
Molecular consequence: synonymous variant.
Genome position (GRCh38, 1-based): chr2:237,366,757, C>T on the plus strand (G>A on the coding strand, the complement: COL6A3 is on the minus strand). VCF-style: chr2-237366757-C-T. GRCh37 (hg19) VCF-style: chr2-238275400-C-T.
Other names: c.3609G>A, p.Glu1203= (NM_057166.5); c.4812G>A, p.Glu1604= (NM_057167.4).
Identifiers: ClinVar variation 2652044 (VCV002652044.22), dbSNP rs2077562754, ClinGen allele CA431710795.